The following is an entry in ClinVar:

NM_000306.4(POU1F1):c.562_565del (p.Ala188fs)

Gene: POU1F1 (POU class 1 homeobox 1; minus strand). Cytogenetic location: 3p11.2.
Variant type: Deletion.
Coding change: c.562_565del on transcript NM_000306.4 (MANE Select); coding-DNA positions 562 to 565, 4 bases deleted (GCAA; older notation c.562_565delGCAA).
Protein change: p.Ala188fs; shifts the reading frame from alanine 188.
Molecular consequence: frameshift variant.
Genome position (GRCh38, 1-based): chr3:87,262,110-87,262,113, TTGC deleted on the plus strand (GCAA on the coding strand, the reverse complement: POU1F1 is on the minus strand); deleting any 4 consecutive bases within chr3:87,262,110-87,262,115 gives the same sequence; the c. name uses the placement nearest the transcript's 3' end. VCF-style (leftmost placement, unchanged base first): chr3-87262109-ATTGC-A. GRCh37 (hg19) VCF-style: chr3-87311259-ATTGC-A.
Other names: c.640_643del, p.Ala214fs (NM_001122757.3); short protein forms A188fs, A214fs.
Identifiers: ClinVar variation 4292029 (VCV004292029.1).

ClinVar aggregate classification (germline): Pathogenic (1 of 4 stars; one submission).

Conditions:
Pituitary hormone deficiency, combined, 1 (CPHD1). Also called: Pituitary hormone deficiency, combined or isolated, 1. Identifiers: MedGen C2751608, MONDO:0024464, OMIM 613038.

Submission:

3billion
Classification: Pathogenic for Pituitary hormone deficiency, combined, 1. Last evaluated: 2024-11-08. Review status: criteria provided, single submitter. Criteria: ACMG Guidelines, 2015. Collection method: clinical testing. Allele origin: germline. Affected: yes.
Comment: The variant is not observed in the gnomAD v4.1.0 dataset. Predicted Consequence/Location: Frameshift: predicted to result in a loss or disruption of normal protein function through nonsense-mediated decay (NMD) or protein truncation. Multiple pathogenic variants are reported downstream of the variant. Therefore, this variant is classified as Pathogenic according to the recommendation of ACMG/AMP guideline.